The following is an entry in ClinVar:

ClinVar aggregate classification (germline): Likely pathogenic (1 of 4 stars; one submission).

Conditions:
Fabry disease. Also called: ALPHA-GALACTOSIDASE A DEFICIENCY; ANDERSON-FABRY DISEASE; CERAMIDE TRIHEXOSIDASE DEFICIENCY; GLA DEFICIENCY; HEREDITARY DYSTOPIC LIPIDOSIS; Angiokeratoma corporis diffusum. Identifiers: Orphanet 324, MedGen C0002986, MONDO:0010526, OMIM 301500, HP:0001071. Disease mechanism: Fabry disease is due to inactivating mutations in the X-linked GLA gene resulting in deficiency of the enzyme Alpha Galactosidase-A., loss of function.

Submission:

Genomenon, Inc
Classification: Likely pathogenic for Fabry disease. Last evaluated: 2026-09-08. Review status: criteria provided, single submitter. Criteria: Genomenon Sequence Variant Interpretation Standards - Updated. Collection method: curation. Allele origin: germline. Affected: yes.
Comment: GLA p.Leu268Ser (c.803T>C) is a missense variant that changes the amino acid at codon 268 from Leucine to Serine. This variant has been observed in at least one proband with clinical features consistent with Fabry disease (PMID:17187618;25955246;23566439). At least one functional study has demonstrated a substantial alteration in protein function relative to the wild-type (PMID:32023956;27657681). It is absent or not present at a significant frequency in gnomAD. In silico models predict that this variant is possibly or probably damaging. In conclusion, we classify GLA p.Leu268Ser (c.803T>C) as a likely pathogenic variant.

Literature cited by the submitters: PubMed 17187618; PubMed 25955246; PubMed 23566439; PubMed 32023956; PubMed 27657681.

NM_000169.3(GLA):c.803T>C (p.Leu268Ser)

Genes: GLA (galactosidase alpha; minus strand), RPL36A-HNRNPH2 (RPL36A-HNRNPH2 readthrough; plus strand). Cytogenetic location: Xq22.1.
Variant type: single nucleotide variant.
Coding change: c.803T>C on transcript NM_000169.3 (MANE Select); coding-DNA position 803, T replaced by C.
Protein change: p.Leu268Ser; replaces leucine 268 with serine.
Molecular consequence: missense variant. On other transcripts: non-coding transcript variant (3), intron variant (2).
Genome position (GRCh38, 1-based): chrX:101,398,566, A>G on the plus strand (T>C on the coding strand, the complement: GLA is on the minus strand). VCF-style: chrX-101398566-A-G. GRCh37 (hg19) VCF-style: chrX-100653554-A-G.
Other names: c.926T>C, p.Leu309Ser (NM_001406747.1); c.803T>C, p.Leu268Ser (NM_001406748.1); c.300+3109A>G (NM_001199973.2); c.177+6744A>G (NM_001199974.2); short protein forms L268S, L309S.
Identifiers: ClinVar variation 4087521 (VCV004087521.2).
Genomic context (GRCh38, chrX:101,398,566, plus strand): 5'-GCCCAGAGGGCCATCTGAGTTACTTGCTGATTCCAGCTGAGGCCAAAGTTGCCAATCACT[A>G]ACTGAGAAAAAGAATGAAATAATTCAAACAAGAGAGGAGGAAACATTCTTAAAGTTACCT-3'
Protein context (NP_000160.1, residues 258-278): GPGGWNDPDM[Leu268Ser]VIGNFGLSWN